The following is an entry in ClinVar:

NM_015512.5(DNAH1):c.8617C>G (p.Gln2873Glu)

Gene: DNAH1 (dynein axonemal heavy chain 1; plus strand). Cytogenetic location: 3p21.1.
Variant type: single nucleotide variant.
Coding change: c.8617C>G on transcript NM_015512.5 (MANE Select); coding-DNA position 8617, C replaced by G.
Protein change: p.Gln2873Glu; replaces glutamine 2873 with glutamic acid.
Molecular consequence: missense variant.
Genome position (GRCh38, 1-based): chr3:52,385,439, C>G. VCF-style: chr3-52385439-C-G. GRCh37 (hg19) VCF-style: chr3-52419455-C-G.
Other names: short protein forms Q2873E.
Identifiers: ClinVar variation 1520298 (VCV001520298.6), dbSNP rs2153225318, ClinGen allele CA353189125.

ClinVar aggregate classification (germline): Uncertain significance (1 of 4 stars; one submission).

Conditions:
Spermatogenic failure 18. Identifiers: MedGen C4539783, MONDO:0054615, OMIM 617576.
Ciliary dyskinesia, primary, 37 (CILD37). Also called: CILIARY DYSKINESIA, PRIMARY, 37, WITH OR WITHOUT SITUS INVERSUS. Identifiers: MedGen C4539798, MONDO:0033204, OMIM 617577.

gnomAD v4.1: 3 of 1,551,746 alleles (0.00019%); highest among the groups gnomAD compares: Non-Finnish European, 0.00017%; no homozygotes.

Submission:

Labcorp Genetics (formerly Invitae), Labcorp
Classification: Uncertain significance for Ciliary dyskinesia, primary, 37; Spermatogenic failure 18. Last evaluated: 2025-06-23. Review status: criteria provided, single submitter. Criteria: Invitae Variant Classification Sherloc (09022015). Collection method: clinical testing. Allele origin: germline.
Comment: This sequence change replaces glutamine, which is neutral and polar, with glutamic acid, which is acidic and polar, at codon 2873 of the DNAH1 protein (p.Gln2873Glu). This variant is not present in population databases (gnomAD no frequency). This variant has not been reported in the literature in individuals affected with DNAH1-related conditions. ClinVar contains an entry for this variant (Variation ID: 1520298). Invitae Evidence Modeling of protein sequence and biophysical properties (such as structural, functional, and spatial information, amino acid conservation, physicochemical variation, residue mobility, and thermodynamic stability) indicates that this missense variant is not expected to disrupt DNAH1 protein function with a negative predictive value of 80%. In summary, the available evidence is currently insufficient to determine the role of this variant in disease. Therefore, it has been classified as a Variant of Uncertain Significance.